The following is an entry in ClinVar:

NM_004318.4(ASPH):c.2127G>T (p.Lys709Asn)

Gene: ASPH (aspartate beta-hydroxylase; minus strand). Cytogenetic location: 8q12.3.
Variant type: single nucleotide variant.
Coding change: c.2127G>T on transcript NM_004318.4 (MANE Select); coding-DNA position 2127, G replaced by T.
Protein change: p.Lys709Asn; replaces lysine 709 with asparagine.
Molecular consequence: missense variant.
Genome position (GRCh38, 1-based): chr8:61,503,509, C>A on the plus strand (G>T on the coding strand, the complement: ASPH is on the minus strand). VCF-style: chr8-61503509-C-A. GRCh37 (hg19) VCF-style: chr8-62416068-C-A.
Other names: c.2025G>T, p.Lys675Asn (NM_001413869.1); c.2022G>T, p.Lys674Asn (NM_001413870.1); c.1998G>T, p.Lys666Asn (NM_001413871.1, NM_001413872.1); c.1995G>T, p.Lys665Asn (NM_001413873.1); c.1986G>T, p.Lys662Asn (NM_001413874.1); c.1983G>T, p.Lys661Asn (NM_001413875.1); c.1956G>T, p.Lys652Asn (NM_001413876.1, NM_001413877.1); c.1953G>T, p.Lys651Asn (NM_001413878.1); and 40 more; short protein forms K547N, K622N, K633N, K637N, K652N, K674N, K676N, K690N.
Identifiers: ClinVar variation 2013756 (VCV002013756.4), dbSNP rs769377583, ClinGen allele CA371402202.
Genomic context (GRCh38, chr8:61,503,509, plus strand): 5'-CTGCCATACCTCGTGCTCAAAGGAGTCATCAAAGATGAGCACCTTGCCTTCCTCCCAGGT[C>A]CTGCAGCAGAAAGACAAGGATTCCTGAATATAGTTTTGTGTGGTTCAGATGTCTGAGGAT-3'
Protein context (NP_004309.2, residues 699-719): GCKIRCANET[Lys709Asn]TWEEGKVLIF

ClinVar aggregate classification (germline): Uncertain significance (1 of 4 stars; one submission).

Submission:

Labcorp Genetics (formerly Invitae), Labcorp
Classification: Uncertain significance. Last evaluated: 2022-07-03. Review status: criteria provided, single submitter. Criteria: Invitae Variant Classification Sherloc (09022015). Collection method: clinical testing. Allele origin: germline.
Comment: Algorithms developed to predict the effect of missense changes on protein structure and function are either unavailable or do not agree on the potential impact of this missense change (SIFT: "Deleterious"; PolyPhen-2: "Possibly Damaging"; Align-GVGD: "Class C0"). In summary, the available evidence is currently insufficient to determine the role of this variant in disease. Therefore, it has been classified as a Variant of Uncertain Significance. Algorithms developed to predict the effect of sequence changes on RNA splicing suggest that this variant may disrupt the consensus splice site. This variant has not been reported in the literature in individuals affected with ASPH-related conditions. This variant is not present in population databases (gnomAD no frequency). This sequence change replaces lysine, which is basic and polar, with asparagine, which is neutral and polar, at codon 709 of the ASPH protein (p.Lys709Asn).